The following is an entry in ClinVar:

NM_018418.5(SPATA7):c.1228C>G (p.His410Asp)

Gene: SPATA7 (spermatogenesis associated 7; plus strand). Cytogenetic location: 14q31.3.
Variant type: single nucleotide variant.
Coding change: c.1228C>G on transcript NM_018418.5 (MANE Select); coding-DNA position 1228, C replaced by G.
Protein change: p.His410Asp; replaces histidine 410 with aspartic acid.
Molecular consequence: missense variant.
Genome position (GRCh38, 1-based): chr14:88,437,850, C>G. VCF-style: chr14-88437850-C-G. GRCh37 (hg19) VCF-style: chr14-88904194-C-G.
Other names: c.1132C>G, p.His378Asp (NM_001040428.4); short protein forms H378D, H410D.
Identifiers: ClinVar variation 1053004 (VCV001053004.7), dbSNP rs987375960, ClinGen allele CA264545085.
Genomic context (GRCh38, chr14:88,437,850, plus strand): 5'-TAATTTGACTCAATTAATGTAATTAGTCTCATCTTTTCTTAATCCTAGGAAAAAATGCGC[C>G]ACCTGCTGCATGTCCTGAAAGTAGACTTAGGCTGCACATCGGAGGAAAACTCGGTAAAGC-3'
Protein context (NP_060888.2, residues 400-420): NKHLEEEKMR[His410Asp]LLHVLKVDLG

ClinVar aggregate classification (germline): Uncertain significance. Review status: criteria provided, multiple submitters, no conflicts (2 of 4 stars). 2 submissions from 2 submitters: Uncertain significance (2). Last evaluated 2022-03-29.

Conditions:
Leber congenital amaurosis 3 (LCA3). Also called: SPATA7-Related Retinitis Pigmentosa. Identifiers: MedGen C1858677, MONDO:0011415, OMIM 604232.

Allele frequency attached by ClinVar (database versions not stated): gnomAD exomes below 0.00001; gnomAD 0.00001 and 0.00002; TOPMed 0.00002.
gnomAD v4.1: 16 of 1,589,826 alleles (0.001%); highest among the groups gnomAD compares: Middle Eastern, 0.017%; no homozygotes.

Submissions (2):

Labcorp Genetics (formerly Invitae), Labcorp
Classification: Uncertain significance for Leber congenital amaurosis 3. Last evaluated: 2022-03-29. Review status: criteria provided, single submitter. Criteria: Invitae Variant Classification Sherloc (09022015). Collection method: clinical testing. Allele origin: germline.
Comment: This sequence change replaces histidine, which is basic and polar, with aspartic acid, which is acidic and polar, at codon 410 of the SPATA7 protein (p.His410Asp). This variant is present in population databases (no rsID available, gnomAD 0.002%). This variant has not been reported in the literature in individuals affected with SPATA7-related conditions. ClinVar contains an entry for this variant (Variation ID: 1053004). Algorithms developed to predict the effect of missense changes on protein structure and function are either unavailable or do not agree on the potential impact of this missense change (SIFT: "Deleterious"; PolyPhen-2: "Benign"; Align-GVGD: "Class C0"). In summary, the available evidence is currently insufficient to determine the role of this variant in disease. Therefore, it has been classified as a Variant of Uncertain Significance.

Blueprint Genetics
Classification: Uncertain significance. Last evaluated: 2017-05-21. Review status: criteria provided, single submitter. Criteria: ACMG Guidelines, 2015. Collection method: clinical testing. Allele origin: germline.